The following is an entry in ClinVar:

NM_004484.4(GPC3):c.1414-1G>C

Gene: GPC3 (glypican 3; minus strand). Cytogenetic location: Xq26.2.
Variant type: single nucleotide variant.
Coding change: c.1414-1G>C on transcript NM_004484.4 (MANE Select); the canonical splice acceptor site of the intron before coding-DNA position 1414, G replaced by C.
Molecular consequence: splice acceptor variant.
Genome position (GRCh38, 1-based): chrX:133,596,600, C>G on the plus strand (G>C on the coding strand, the complement: GPC3 is on the minus strand). VCF-style: chrX-133596600-C-G. GRCh37 (hg19) VCF-style: chrX-132730628-C-G.
Other names: c.1252-1G>C (NM_001164619.2); c.1366-1G>C (NM_001164618.2); c.1483-1G>C (NM_001164617.2).
Identifiers: ClinVar variation 3638779 (VCV003638779.2).

ClinVar aggregate classification (germline): Likely pathogenic (1 of 4 stars; one submission).

Conditions:
Wilms tumor 1 (WT1). Also called: Wilms tumor, somatic. Identifiers: Orphanet 654, MedGen CN033288, MONDO:0008679, OMIM 194070.

Submission:

Labcorp Genetics (formerly Invitae), Labcorp
Classification: Likely pathogenic for Wilms tumor 1. Last evaluated: 2024-04-16. Review status: criteria provided, single submitter. Criteria: Invitae Variant Classification Sherloc (09022015). Collection method: clinical testing. Allele origin: germline.
Comment: This sequence change affects an acceptor splice site in intron 6 of the GPC3 gene. It is expected to disrupt RNA splicing. Variants that disrupt the donor or acceptor splice site typically lead to a loss of protein function (PMID: 16199547), and loss-of-function variants in GPC3 are known to be pathogenic (PMID: 10402475, 12713262, 17603795). This variant is not present in population databases (gnomAD no frequency). Disruption of this splice site has been observed in individual(s) with Simpson-Golabi-Behmel syndrome (Invitae). Algorithms developed to predict the effect of sequence changes on RNA splicing suggest that this variant may disrupt the consensus splice site. In summary, the currently available evidence indicates that the variant is pathogenic, but additional data are needed to prove that conclusively. Therefore, this variant has been classified as Likely Pathogenic.

Literature cited by the submitters: PubMed 16199547; PubMed 10402475; PubMed 12713262; PubMed 17603795.